The following is an entry in ClinVar:

ClinVar aggregate classification (germline): Uncertain significance (1 of 4 stars; one submission).

gnomAD v4.1: 40 of 1,613,646 alleles (0.0025%); highest among the groups gnomAD compares: Admixed American, 0.018%; no homozygotes.

Submission:

Labcorp Genetics (formerly Invitae), Labcorp
Classification: Uncertain significance. Last evaluated: 2025-07-16. Review status: criteria provided, single submitter. Criteria: Invitae Variant Classification Sherloc (09022015). Collection method: clinical testing. Allele origin: germline.
Comment: This sequence change replaces serine, which is neutral and polar, with leucine, which is neutral and non-polar, at codon 3528 of the RNF213 protein (p.Ser3528Leu). This variant is present in population databases (rs761541104, gnomAD 0.004%). This variant has not been reported in the literature in individuals affected with RNF213-related conditions. Invitae Evidence Modeling of protein sequence and biophysical properties (such as structural, functional, and spatial information, amino acid conservation, physicochemical variation, residue mobility, and thermodynamic stability) indicates that this missense variant is not expected to disrupt RNF213 protein function with a negative predictive value of 95%. In summary, the available evidence is currently insufficient to determine the role of this variant in disease. Therefore, it has been classified as a Variant of Uncertain Significance.

NM_001256071.3(RNF213):c.10583C>T (p.Ser3528Leu)

Genes: RNF213 (ring finger protein 213; plus strand), RNF213-AS1 (RNF213 antisense RNA 1; minus strand). Cytogenetic location: 17q25.3.
Variant type: single nucleotide variant.
Coding change: c.10583C>T on transcript NM_001256071.3 (MANE Select); coding-DNA position 10583, C replaced by T.
Protein change: p.Ser3528Leu; replaces serine 3528 with leucine.
Molecular consequence: missense variant. On other transcripts: non-coding transcript variant (1).
Genome position (GRCh38, 1-based): chr17:80,354,023, C>T. VCF-style: chr17-80354023-C-T. GRCh37 (hg19) VCF-style: chr17-78327823-C-T.
Other names: c.10730C>T, p.Ser3577Leu (NM_001410195.1, NM_020914.5); short protein forms S3528L, S3577L.
Identifiers: ClinVar variation 4707793 (VCV004707793.1).